The following is an entry in ClinVar:

ClinVar aggregate classification (germline): Benign. Review status: criteria provided, multiple submitters, no conflicts (2 of 4 stars). 6 submissions from 6 submitters: Benign (6). Last evaluated 2026-02-03.

Conditions:
Adams-Oliver syndrome 4 (AOS4). Identifiers: Orphanet 974, MedGen C3809092, MONDO:0014124, OMIM 615297.

Allele frequency attached by ClinVar (database versions not stated): ESP Exome Variant Server 0.28710; gnomAD exomes 0.29839 and 0.35275; gnomAD 0.31041 and 0.31746; TOPMed 0.31479; ExAC 0.34773; 1000 Genomes Project 30x 0.37117; 1000 Genomes Project 0.38299.
gnomAD v4.1: 480,764 of 1,599,472 alleles (30%); highest among the groups gnomAD compares: East Asian, 52%; 76,330 homozygotes.

Submissions (6):

Labcorp Genetics (formerly Invitae), Labcorp
Classification: Benign for Adams-Oliver syndrome 4. Last evaluated: 2026-02-03. Review status: criteria provided, single submitter. Criteria: Invitae Variant Classification Sherloc (09022015). Collection method: clinical testing. Allele origin: germline.

Blueprint Genetics
Classification: Benign. Last evaluated: 2024-11-26. Review status: criteria provided, single submitter. Criteria: ACMG Guidelines, 2015. Collection method: clinical testing. Allele origin: germline.

Genome-Nilou Lab
Classification: Benign for Adams-Oliver syndrome 4. Last evaluated: 2021-07-30. Review status: criteria provided, single submitter. Criteria: ACMG Guidelines, 2015. Collection method: clinical testing. Allele origin: germline. Affected: no.

Mayo Clinic Laboratories, Mayo Clinic
Classification: Benign. Last evaluated: 2018-09-25. Review status: criteria provided, single submitter. Criteria: ACMG Guidelines, 2015. Collection method: clinical testing. Allele origin: germline. Observed: 20 variant alleles.

GeneDx
Classification: Benign. Last evaluated: 2018-06-14. Review status: criteria provided, single submitter. Criteria: GeneDx Variant Classification (06012015). Collection method: clinical testing. Allele origin: germline. Affected: yes.
Comment: This variant is considered likely benign or benign based on one or more of the following criteria: it is a conservative change, it occurs at a poorly conserved position in the protein, it is predicted to be benign by multiple in silico algorithms, and/or has population frequency not consistent with disease.

Breakthrough Genomics
Classification: Benign. Review status: criteria provided, single submitter. Criteria: ACMG Guidelines, 2015. Collection method: not provided. Allele origin: germline. Inheritance: Autosomal recessive inheritance. Affected: yes.

NM_001278689.2(EOGT):c.465A>G (p.Arg155=)

Gene: EOGT (EGF domain specific O-linked N-acetylglucosamine transferase; minus strand). Cytogenetic location: 3p14.1.
Variant type: single nucleotide variant.
Coding change: c.465A>G on transcript NM_001278689.2 (MANE Select); coding-DNA position 465, A replaced by G.
Protein change: p.Arg155=; no amino-acid change (arginine 155 retained).
Molecular consequence: synonymous variant. On other transcripts: non-coding transcript variant (1).
Genome position (GRCh38, 1-based): chr3:69,005,190, T>C on the plus strand (A>G on the coding strand, the complement: EOGT is on the minus strand). VCF-style: chr3-69005190-T-C. GRCh37 (hg19) VCF-style: chr3-69054341-T-C.
Other names: p.Arg155=; c.465A>G, p.Arg155= (NM_173654.3).
Identifiers: ClinVar variation 683801 (VCV000683801.14), dbSNP rs6781612, ClinGen allele CA2486915.